The following is an entry in ClinVar:

NM_000435.3(NOTCH3):c.1512T>G (p.Cys504Trp)

Gene: NOTCH3 (notch receptor 3; minus strand). Cytogenetic location: 19p13.12.
Variant type: single nucleotide variant.
Coding change: c.1512T>G on transcript NM_000435.3 (MANE Select); coding-DNA position 1512, T replaced by G.
Protein change: p.Cys504Trp; replaces cysteine 504 with tryptophan.
Molecular consequence: missense variant.
Genome position (GRCh38, 1-based): chr19:15,187,975, A>C on the plus strand (T>G on the coding strand, the complement: NOTCH3 is on the minus strand). VCF-style: chr19-15187975-A-C. GRCh37 (hg19) VCF-style: chr19-15298786-A-C.
Other names: c.1512T>G (NM_000435.2); short protein forms C504W.
Identifiers: ClinVar variation 2132204 (VCV002132204.6), dbSNP rs2046897516, ClinGen allele CA404526575.
Genomic context (GRCh38, chr19:15,187,975, plus strand): 5'-GTCCACGCATTTGGCGCCATTCCTGCAGGGCGTGCTGGCGCATTCGTCCACGTCCAGCTG[A>C]CACGTGGAGCCGCTGAAGCCTGGGGTGGGGAGTGGGATGAGCAGAGGCCCAGAAAGGGTG-3'
Protein context (NP_000426.2, residues 494-514): TCPSGFSGST[Cys504Trp]QLDVDECAST

ClinVar aggregate classification (germline): Conflicting classifications of pathogenicity. Review status: criteria provided, conflicting classifications (1 of 4 stars). 3 submissions from 3 submitters: Pathogenic (1); Likely pathogenic (1); Uncertain significance (1). Last evaluated 2026-06-27.

Conditions:
NOTCH3-related disorder. Also called: NOTCH3-related condition; NOTCH3-related disorders.

Submissions (3):

PreventionGenetics, part of Exact Sciences
Classification: Likely pathogenic for NOTCH3-related condition. Last evaluated: 2026-06-27. Review status: criteria provided, single submitter. Criteria: ACMG Guidelines, 2015. Collection method: clinical testing. Allele origin: germline.
Comment: The NOTCH3 c.1512T>G variant is predicted to result in the amino acid substitution p.Cys504Trp. To our knowledge, this variant has not been reported in the literature or in a large population database (gnomAD), indicating this variant is rare. Most CADASIL causing variants in the NOTCH3 gene result in the gain or loss of one or more cysteine residues in the extracellular domain of the protein, as seen in this patient. This patient’s variant alters a cysteine residue and is located in the extracellular EGF-like domain 12. Pathogenic variants in EGF-like domains 1-6 appear to be fully penetrant and are usually associated with the classical CADASIL phenotype. However, there is variability in disease severity. Pathogenic variants in EGF-like domains 7-34 have a much higher population frequency, and can predispose to a milder small-vessel disease, possibly even displaying incomplete or at least very late onset complete penetrance (OMIM #125310; Rutten et al. 2016. PubMed ID: 27844030; Rutten et al. 2019. PubMed ID: 30032161). This variant is interpreted as likely pathogenic.

Athena Diagnostics
Classification: Pathogenic. Last evaluated: 2024-09-10. Review status: criteria provided, single submitter. Criteria: Athena Diagnostics Criteria. Collection method: clinical testing. Allele origin: unknown.
Comment: This variant has not been reported in large, multi-ethnic general populations. This variant has been identified in at least one individual with clinical features associated with CADASIL. The variant is located in a region that is considered important for protein function and/or structure. Greater than 90% of NOTCH3 pathogenic variants associated with CADASIL involve the gain or loss of a cysteine residue within the epidermal growth factor (EGF)-like repeat domain (PMID: 32457593, 20301673).

Labcorp Genetics (formerly Invitae), Labcorp
Classification: Uncertain significance. Last evaluated: 2022-04-30. Review status: criteria provided, single submitter. Criteria: Invitae Variant Classification Sherloc (09022015). Collection method: clinical testing. Allele origin: germline.
Comment: In summary, the available evidence is currently insufficient to determine the role of this variant in disease. Therefore, it has been classified as a Variant of Uncertain Significance. This variant disrupts the p.Cys504 amino acid residue in NOTCH3. Other variant(s) that disrupt this residue have been observed in individuals with NOTCH3-related conditions (Invitae), which suggests that this may be a clinically significant amino acid residue. Advanced modeling of protein sequence and biophysical properties (such as structural, functional, and spatial information, amino acid conservation, physicochemical variation, residue mobility, and thermodynamic stability) performed at Invitae indicates that this missense variant is expected to disrupt NOTCH3 protein function. This missense change has been observed in individual(s) with clinical features of cerebral arteriopathy with subcortical infarcts and leukoencephalopathy (Invitae). This variant is not present in population databases (gnomAD no frequency). This sequence change replaces cysteine, which is neutral and slightly polar, with tryptophan, which is neutral and slightly polar, at codon 504 of the NOTCH3 protein (p.Cys504Trp).